The following is an entry in ClinVar:

NM_022765.4(MICAL1):c.183G>C (p.Lys61Asn)

Gene: MICAL1 (microtubule associated monooxygenase, calponin and LIM domain containing 1; minus strand). Cytogenetic location: 6q21.
Variant type: single nucleotide variant.
Coding change: c.183G>C on transcript NM_022765.4 (MANE Select); coding-DNA position 183, G replaced by C.
Protein change: p.Lys61Asn; replaces lysine 61 with asparagine.
Molecular consequence: missense variant.
Genome position (GRCh38, 1-based): chr6:109,454,014, C>G on the plus strand (G>C on the coding strand, the complement: MICAL1 is on the minus strand). VCF-style: chr6-109454014-C-G. GRCh37 (hg19) VCF-style: chr6-109775217-C-G.
Other names: c.183G>C (NM_022765.3); c.183G>C, p.Lys61Asn (NM_001159291.2); c.240G>C, p.Lys80Asn (NM_001286613.2); short protein forms K61N, K80N.
Identifiers: ClinVar variation 3614069 (VCV003614069.3).

ClinVar aggregate classification (germline): Uncertain significance. Review status: criteria provided, multiple submitters, no conflicts (2 of 4 stars). 2 submissions from 2 submitters: Uncertain significance (2). Last evaluated 2026-01-12.

gnomAD v4.1: 1 of 1,614,156 alleles (0.000062%); highest among the groups gnomAD compares: Admixed American, 0.0017%; no homozygotes.

Submissions (2):

Labcorp Genetics (formerly Invitae), Labcorp
Classification: Uncertain significance. Last evaluated: 2026-01-12. Review status: criteria provided, single submitter. Criteria: Invitae Variant Classification Sherloc (09022015). Collection method: clinical testing. Allele origin: germline.
Comment: This sequence change replaces lysine, which is basic and polar, with asparagine, which is neutral and polar, at codon 80 of the MICAL1 protein (p.Lys80Asn). This variant is present in population databases (no rsID available, gnomAD 0.003%). This variant has not been reported in the literature in individuals affected with MICAL1-related conditions. ClinVar contains an entry for this variant (Variation ID: 3614069). An algorithm developed to predict the effect of missense changes on protein structure and function (PolyPhen-2) suggests that this variant is likely to be disruptive. In summary, the available evidence is currently insufficient to determine the role of this variant in disease. Therefore, it has been classified as a Variant of Uncertain Significance.

Ambry Genetics
Classification: Uncertain significance. Last evaluated: 2025-07-15. Review status: criteria provided, single submitter. Criteria: Ambry Variant Classification Scheme 2023. Collection method: clinical testing. Allele origin: germline.